The following is an entry in ClinVar:

ClinVar aggregate classification (germline): Likely benign. Review status: criteria provided, multiple submitters, no conflicts (2 of 4 stars). 2 submissions from 2 submitters: Likely benign (2). Last evaluated 2026-01-01.

Submissions (2):

CeGaT Center for Human Genetics Tuebingen
Classification: Likely benign. Last evaluated: 2026-01-01. Review status: criteria provided, single submitter. Criteria: CeGaT Center For Human Genetics Tuebingen Variant Classification Criteria Version 2. Collection method: clinical testing. Allele origin: germline. Affected: yes. Observed: 1 variant allele.
Comment: H1-4: BP4, BP7

Blueprint Genetics
Classification: Likely benign. Last evaluated: 2019-08-14. Review status: criteria provided, single submitter. Criteria: ACMG Guidelines, 2015. Collection method: clinical testing. Allele origin: germline.

NM_005321.3(H1-4):c.39C>T (p.Ala13=)

Gene: H1-4 (H1.4 linker histone, cluster member; plus strand). Cytogenetic location: 6p22.2.
Variant type: single nucleotide variant.
Coding change: c.39C>T on transcript NM_005321.3 (MANE Select); coding-DNA position 39, C replaced by T.
Protein change: p.Ala13=; no amino-acid change (alanine 13 retained).
Molecular consequence: synonymous variant.
Genome position (GRCh38, 1-based): chr6:26,156,429, C>T. VCF-style: chr6-26156429-C-T. GRCh37 (hg19) VCF-style: chr6-26156657-C-T.
Identifiers: ClinVar variation 4822775 (VCV004822775.5).